The following is an entry in ClinVar:

NM_001142800.2(EYS):c.1546G>T (p.Asp516Tyr)

Gene: EYS (eyes shut homolog; minus strand). Cytogenetic location: 6q12.
Variant type: single nucleotide variant.
Coding change: c.1546G>T on transcript NM_001142800.2 (MANE Select); coding-DNA position 1546, G replaced by T.
Protein change: p.Asp516Tyr; replaces aspartic acid 516 with tyrosine.
Molecular consequence: missense variant.
Genome position (GRCh38, 1-based): chr6:65,344,091, C>A on the plus strand (G>T on the coding strand, the complement: EYS is on the minus strand). VCF-style: chr6-65344091-C-A. GRCh37 (hg19) VCF-style: chr6-66053984-C-A.
Other names: c.1546G>T, p.Asp516Tyr (NM_001142801.2, NM_001292009.2, NM_198283.2); short protein forms D516Y.
Identifiers: ClinVar variation 2182463 (VCV002182463.1), dbSNP rs577044383, ClinGen allele CA3877704.
Genomic context (GRCh38, chr6:65,344,091, plus strand): 5'-ACCTTACCTCTTTTGTGCCTTCATGTGGGAACCAACATGAAGAATTATTATCTTCAGGAT[C>A]GTTCACATAGGTTGCATCTTCAGTGCAGTTTGCAGCCAGAAAGAAATAGGCATCAATAAC-3'
Protein context (NP_001136272.1, residues 506-526): NCTEDATYVN[Asp516Tyr]PEDNNSSCWF

ClinVar aggregate classification (germline): Uncertain significance (1 of 4 stars; one submission).

Allele frequency attached by ClinVar (database versions not stated): TOPMed below 0.00001.
gnomAD v4.1: 6 of 1,610,482 alleles (0.00037%); highest among the groups gnomAD compares: Admixed American, 0.01%; no homozygotes.

Submission:

Labcorp Genetics (formerly Invitae), Labcorp
Classification: Uncertain significance. Last evaluated: 2022-10-17. Review status: criteria provided, single submitter. Criteria: Invitae Variant Classification Sherloc (09022015). Collection method: clinical testing. Allele origin: germline.
Comment: This sequence change replaces aspartic acid, which is acidic and polar, with tyrosine, which is neutral and polar, at codon 516 of the EYS protein (p.Asp516Tyr). This variant is present in population databases (rs577044383, gnomAD 0.02%). This variant has not been reported in the literature in individuals affected with EYS-related conditions. Algorithms developed to predict the effect of missense changes on protein structure and function (SIFT, PolyPhen-2, Align-GVGD) all suggest that this variant is likely to be tolerated. In summary, the available evidence is currently insufficient to determine the role of this variant in disease. Therefore, it has been classified as a Variant of Uncertain Significance.